The following is an entry in ClinVar:

ClinVar aggregate classification (germline): Uncertain significance (1 of 4 stars; one submission).

Conditions:
Giant axonal neuropathy 1 (GAN1). Also called: GIANT AXONAL NEUROPATHY 1, AUTOSOMAL RECESSIVE; GAN-Related Neurodegeneration. Identifiers: Orphanet 643, MedGen C1850386, MONDO:0009749, OMIM 256850.

Allele frequency attached by ClinVar (database versions not stated): gnomAD exomes below 0.00001; ExAC 0.00002.
gnomAD v4.1: 4 of 1,612,406 alleles (0.00025%); highest among the groups gnomAD compares: Non-Finnish European, 0.00017%; no homozygotes.

Submission:

Labcorp Genetics (formerly Invitae), Labcorp
Classification: Uncertain significance for Giant axonal neuropathy 1. Last evaluated: 2022-02-06. Review status: criteria provided, single submitter. Criteria: Invitae Variant Classification Sherloc (09022015). Collection method: clinical testing. Allele origin: germline.
Comment: Algorithms developed to predict the effect of sequence changes on RNA splicing suggest that this variant may create or strengthen a splice site. Algorithms developed to predict the effect of missense changes on protein structure and function are either unavailable or do not agree on the potential impact of this missense change (SIFT: "Deleterious"; PolyPhen-2: "Possibly Damaging"; Align-GVGD: "Class C0"). This variant has not been reported in the literature in individuals affected with GAN-related conditions. This variant is present in population databases (rs747555729, gnomAD 0.01%). This sequence change replaces serine, which is neutral and polar, with cysteine, which is neutral and slightly polar, at codon 272 of the GAN protein (p.Ser272Cys). In summary, the available evidence is currently insufficient to determine the role of this variant in disease. Therefore, it has been classified as a Variant of Uncertain Significance.

NM_022041.4(GAN):c.815C>G (p.Ser272Cys)

Gene: GAN (gigaxonin; plus strand). Cytogenetic location: 16q23.2.
Variant type: single nucleotide variant.
Coding change: c.815C>G on transcript NM_022041.4 (MANE Select); coding-DNA position 815, C replaced by G.
Protein change: p.Ser272Cys; replaces serine 272 with cysteine.
Molecular consequence: missense variant.
Genome position (GRCh38, 1-based): chr16:81,356,966, C>G. VCF-style: chr16-81356966-C-G. GRCh37 (hg19) VCF-style: chr16-81390571-C-G.
Other names: c.176C>G, p.Ser59Cys (NM_001377486.1); short protein forms S272C, S59C.
Identifiers: ClinVar variation 2090705 (VCV002090705.4), dbSNP rs747555729, ClinGen allele CA8191491.
Genomic context (GRCh38, chr16:81,356,966, plus strand): 5'-CGCTCAGCCAGCCGCAGCAAGGGGAGGCGATGCTGGCCAACTTCAAACCCCGGGGCTACT[C>G]TGAGTGCATCGTGACTGTTGGTGGAGAAGAGAGAGTGTAAGTATGAGGTGGGACTTGTTT-3'
Protein context (NP_071324.1, residues 262-282): MLANFKPRGY[Ser272Cys]ECIVTVGGEE